The following is an entry in ClinVar:

ClinVar aggregate classification (germline): Pathogenic (1 of 4 stars; one submission).

Submission:

Labcorp Genetics (formerly Invitae), Labcorp
Classification: Pathogenic. Last evaluated: 2022-08-23. Review status: criteria provided, single submitter. Criteria: Invitae Variant Classification Sherloc (09022015). Collection method: clinical testing. Allele origin: unknown.
Comment: For these reasons, this variant has been classified as Pathogenic. This variant disrupts the triple helix domain of COL2A1. Glycine residues within the Gly-Xaa-Yaa repeats of the triple helix domain are required for the structure and stability of fibrillar collagens (PMID: 7695699, 8218237, 19344236). In COL2A1, variants affecting these glycine residues are significantly enriched in individuals with disease (PMID: 9016532, 17078022) compared to the general population (ExAC). This variant has not been reported in the literature in individuals affected with COL2A1-related conditions. This variant results in the deletion of exons 23 to 30 and part of exon 31 (c.1419+11_2015del) of the COL2A1 gene. It is expected to disrupt RNA splicing. Variants that disrupt the donor or acceptor splice site typically lead to a loss of protein function (PMID: 16199547), and loss-of-function variants in COL2A1 are known to be pathogenic (PMID: 20179744).

Literature cited by the submitters: PubMed 7695699; PubMed 8218237; PubMed 19344236; PubMed 9016532; PubMed 17078022; PubMed 16199547; PubMed 20179744.

NC_000012.11:g.(?_48377202)_(48380607_?)del

Gene: COL2A1 (collagen type II alpha 1 chain; minus strand). Cytogenetic location: 12q13.11.
Variant type: Deletion.
Identifiers: ClinVar variation 3244376 (VCV003244376.1).